The following is an entry in ClinVar:

NM_001369369.1(FOXN1):c.930A>G (p.Thr310=)

Gene: FOXN1 (forkhead box N1; plus strand). Cytogenetic location: 17q11.2.
Variant type: single nucleotide variant.
Coding change: c.930A>G on transcript NM_001369369.1 (MANE Select); coding-DNA position 930, A replaced by G.
Protein change: p.Thr310=; no amino-acid change (threonine 310 retained).
Molecular consequence: synonymous variant.
Genome position (GRCh38, 1-based): chr17:28,534,333, A>G. VCF-style: chr17-28534333-A-G. GRCh37 (hg19) VCF-style: chr17-26861351-A-G.
Other names: NM_001369369.1(FOXN1):c.930A>G; p.Thr310=; c.930A>G, p.Thr310= (NM_003593.3).
Identifiers: ClinVar variation 468554 (VCV000468554.14), dbSNP rs143844274, ClinGen allele CA8459411.

ClinVar aggregate classification (germline): Likely benign. Review status: reviewed by expert panel (3 of 4 stars). 4 submissions from 4 submitters: Likely benign (1). 3 of the submissions do not count toward it. Last evaluated 2024-07-29.

Conditions:
T-cell immunodeficiency, congenital alopecia, and nail dystrophy. Also called: Congenital alopecia and nail dystrophy associated with severe functional T-cell immunodeficiency; Pignata Guarino syndrome. Identifiers: OMIM 601705, Orphanet 169095, MedGen C1866426, MONDO:0011132.
FOXN1-related disorder. Also called: FOXN1-related condition.

Allele frequency attached by ClinVar (database versions not stated): gnomAD exomes 0.00005 and 0.00019; ExAC 0.00020; 1000 Genomes Project 0.00060; 1000 Genomes Project 30x 0.00062; TOPMed 0.00076; gnomAD 0.00081 and 0.00089; ESP Exome Variant Server 0.00100.
gnomAD v4.1: 200 of 1,614,148 alleles (0.012%); highest among the groups gnomAD compares: African/African-American, 0.25%; no homozygotes.

Submissions (4):

ClinGen Severe Combined Immunodeficiency Variant Curation Expert Panel, ClinGen
Classification: Likely benign for T-cell immunodeficiency, congenital alopecia, and nail dystrophy. Last evaluated: 2024-07-29. Review status: reviewed by expert panel. Criteria: ClinGen SCID ACMG Specifications FOXN1 V1.0.0. Collection method: curation. Allele origin: germline. Inheritance: Semidominant inheritance.
Comment: NM_001369369.1(FOXN1):c.930A>G (p.Thr310=) is a synonymous variant. SpliceAI predicts no impact to the splice consensus sequence (delta score 0.00) nor the creation of a new splice site (delta score<=0.01) and the nucleotide is not highly conserved (phyloP score -1.54) (BP4, BP7). The gnomADv2.1.1 PopMax filtering AF is 0.002017 based on 66/24964 alleles in the African/African American population, which is above the >0.00141 threshold for BS1. In summary this variant meets criteria to be classified as likely benign for semidominant T-cell immunodeficiency, congenital alopecia, and nail dystrophy due to FOXN1 deficiency based on the ACMG/AMP criteria applied: BS1, BP4, and BP7 as specified by the ClinGen SCID VCEP FOXN1 subgroup.

Labcorp Genetics (formerly Invitae), Labcorp
Classification: Likely benign for T-cell immunodeficiency, congenital alopecia, and nail dystrophy. Last evaluated: 2026-02-02. Review status: criteria provided, single submitter. Criteria: Invitae Variant Classification Sherloc (09022015). Collection method: clinical testing. Allele origin: germline. Not counted in ClinVar's aggregate classification.

Blueprint Genetics
Classification: Likely benign. Last evaluated: 2024-07-11. Review status: criteria provided, single submitter. Criteria: ACMG Guidelines, 2015. Collection method: clinical testing. Allele origin: germline. Not counted in ClinVar's aggregate classification.

PreventionGenetics, part of Exact Sciences
Classification: Likely benign for FOXN1-related condition. Last evaluated: 2019-06-06. Review status: no assertion criteria provided. Collection method: clinical testing. Allele origin: germline. Not counted in ClinVar's aggregate classification.
Comment: This variant is classified as likely benign based on ACMG/AMP sequence variant interpretation guidelines (Richards et al. 2015 PMID: 25741868, with internal and published modifications).